The following is an entry in ClinVar:

NM_000038.6(APC):c.4858T>G (p.Ser1620Ala)

Gene: APC (APC regulator of Wnt signaling pathway; plus strand). Cytogenetic location: 5q22.2.
Variant type: single nucleotide variant.
Coding change: c.4858T>G on transcript NM_000038.6 (MANE Select); coding-DNA position 4858, T replaced by G.
Protein change: p.Ser1620Ala; replaces serine 1620 with alanine.
Molecular consequence: missense variant.
Genome position (GRCh38, 1-based): chr5:112,840,452, T>G. VCF-style: chr5-112840452-T-G. GRCh37 (hg19) VCF-style: chr5-112176149-T-G.
Other names: c.4858T>G, p.Ser1620Ala (NM_001127510.3, NM_001354895.2); c.4804T>G, p.Ser1602Ala (NM_001127511.3); c.4912T>G, p.Ser1638Ala (NM_001354896.2); c.4888T>G, p.Ser1630Ala (NM_001354897.2); c.4783T>G, p.Ser1595Ala (NM_001354898.2); c.4774T>G, p.Ser1592Ala (NM_001354899.2); c.4735T>G, p.Ser1579Ala (NM_001354900.2); c.4681T>G, p.Ser1561Ala (NM_001354901.2); and 5 more; short protein forms S1602A, S1620A, S1337A, S1460A, S1494A, S1561A, S1592A, S1638A.
Identifiers: ClinVar variation 482453 (VCV000482453.8), dbSNP rs1554086256, ClinGen allele CA16031973.

ClinVar aggregate classification (germline): Uncertain significance. Review status: criteria provided, multiple submitters, no conflicts (2 of 4 stars). 2 submissions from 2 submitters: Uncertain significance (2). Last evaluated 2025-08-28.

Conditions:
Hereditary cancer-predisposing syndrome. Also called: Neoplastic Syndromes, Hereditary; Tumor predisposition; Hereditary Cancer Syndrome; Hereditary neoplastic syndrome. Identifiers: Orphanet 140162, MedGen C0027672, MeSH D009386, MONDO:0015356.
Familial adenomatous polyposis 1 (FAP1). Also called: FAMILIAL ADENOMATOUS POLYPOSIS 1, ATTENUATED; POLYPOSIS, ADENOMATOUS INTESTINAL. Identifiers: MedGen C2713442, MONDO:0021056, OMIM 175100. Disease mechanism: loss of function.

Allele frequency attached by ClinVar (database versions not stated): TOPMed below 0.00001; gnomAD 0.00001.
gnomAD v4.1: 1 of 1,614,052 alleles (0.000062%); highest among the groups gnomAD compares: Non-Finnish European, 0.000085%; no homozygotes.

Submissions (2):

Labcorp Genetics (formerly Invitae), Labcorp
Classification: Uncertain significance for Familial adenomatous polyposis 1. Last evaluated: 2025-08-28. Review status: criteria provided, single submitter. Criteria: Invitae Variant Classification Sherloc (09022015). Collection method: clinical testing. Allele origin: germline.
Comment: This sequence change replaces serine, which is neutral and polar, with alanine, which is neutral and non-polar, at codon 1620 of the APC protein (p.Ser1620Ala). This variant is not present in population databases (gnomAD no frequency). This variant has not been reported in the literature in individuals affected with APC-related conditions. ClinVar contains an entry for this variant (Variation ID: 482453). Invitae Evidence Modeling of protein sequence and biophysical properties (such as structural, functional, and spatial information, amino acid conservation, physicochemical variation, residue mobility, and thermodynamic stability) indicates that this missense variant is not expected to disrupt APC protein function with a negative predictive value of 95%. In summary, the available evidence is currently insufficient to determine the role of this variant in disease. Therefore, it has been classified as a Variant of Uncertain Significance.

Ambry Genetics
Classification: Uncertain significance for Hereditary cancer-predisposing syndrome. Last evaluated: 2018-11-14. Review status: criteria provided, single submitter. Criteria: Ambry Variant Classification Scheme 2023. Collection method: clinical testing. Allele origin: germline.
Comment: The p.S1620A variant (also known as c.4858T>G), located in coding exon 15 of the APC gene, results from a T to G substitution at nucleotide position 4858. The serine at codon 1620 is replaced by alanine, an amino acid with similar properties. This amino acid position is not well conserved in available vertebrate species. In addition, in silico predictors for this gene do not accurately predict pathogenicity. Since supporting evidence is limited at this time, the clinical significance of this alteration remains unclear.